The following is an entry in ClinVar:

ClinVar aggregate classification (germline): Uncertain significance (1 of 4 stars; one submission).

Conditions:
Neuromuscular disease caused by qualitative or quantitative defects of dysferlin. Also called: Qualitative or quantitative defects of dysferlin; Dysferlinopathy. Identifiers: Orphanet 207073, MedGen C2931687, MONDO:0016145.

Allele frequency attached by ClinVar (database versions not stated): gnomAD exomes below 0.00001.
gnomAD v4.1: 3 of 1,614,080 alleles (0.00019%); highest among the groups gnomAD compares: Admixed American, 0.0017%; no homozygotes.

Submission:

Labcorp Genetics (formerly Invitae), Labcorp
Classification: Uncertain significance for Neuromuscular disease caused by qualitative or quantitative defects of dysferlin. Last evaluated: 2022-07-23. Review status: criteria provided, single submitter. Criteria: Invitae Variant Classification Sherloc (09022015). Collection method: clinical testing. Allele origin: germline.
Comment: This sequence change replaces glutamic acid, which is acidic and polar, with glutamine, which is neutral and polar, at codon 311 of the DYSF protein (p.Glu311Gln). This variant is not present in population databases (gnomAD no frequency). This variant has not been reported in the literature in individuals affected with DYSF-related conditions. Advanced modeling of protein sequence and biophysical properties (such as structural, functional, and spatial information, amino acid conservation, physicochemical variation, residue mobility, and thermodynamic stability) performed at Invitae indicates that this missense variant is not expected to disrupt DYSF protein function. In summary, the available evidence is currently insufficient to determine the role of this variant in disease. Therefore, it has been classified as a Variant of Uncertain Significance.

NM_001130987.2(DYSF):c.1027G>C (p.Glu343Gln)

Gene: DYSF (dysferlin; plus strand). Cytogenetic location: 2p13.2.
Variant type: single nucleotide variant.
Coding change: c.1027G>C on transcript NM_001130987.2 (MANE Select); coding-DNA position 1027, G replaced by C.
Protein change: p.Glu343Gln; replaces glutamic acid 343 with glutamine.
Molecular consequence: missense variant.
Genome position (GRCh38, 1-based): chr2:71,520,202, G>C. VCF-style: chr2-71520202-G-C. GRCh37 (hg19) VCF-style: chr2-71747332-G-C.
Other names: c.934G>C, p.Glu312Gln (NM_001130455.2, NM_001130983.2, NM_001130984.2 and 1 more transcripts); c.931G>C, p.Glu311Gln (NM_001130976.2, NM_001130977.2, NM_001130978.2 and 1 more transcripts); c.1024G>C, p.Glu342Gln (NM_001130979.2, NM_001130980.2, NM_001130981.2); c.1027G>C, p.Glu343Gln (NM_001130982.2, NM_001130985.2); short protein forms E311Q, E343Q, E312Q, E342Q.
Identifiers: ClinVar variation 1948668 (VCV001948668.2), dbSNP rs1401731698, ClinGen allele CA347211638.